The following is an entry in ClinVar:

NM_001384732.1(CPLANE1):c.4784A>G (p.Asp1595Gly)

Gene: CPLANE1 (ciliogenesis and planar polarity effector complex subunit 1; minus strand). Cytogenetic location: 5p13.2.
Variant type: single nucleotide variant.
Coding change: c.4784A>G on transcript NM_001384732.1 (MANE Select); coding-DNA position 4784, A replaced by G.
Protein change: p.Asp1595Gly; replaces aspartic acid 1595 with glycine.
Molecular consequence: missense variant.
Genome position (GRCh38, 1-based): chr5:37,183,397, T>C on the plus strand (A>G on the coding strand, the complement: CPLANE1 is on the minus strand). VCF-style: chr5-37183397-T-C. GRCh37 (hg19) VCF-style: chr5-37183499-T-C.
Other names: c.4784A>G, p.Asp1595Gly (NM_023073.4); short protein forms D1595G.
Identifiers: ClinVar variation 2009543 (VCV002009543.4), dbSNP rs1783188847, ClinGen allele CA359496259.

ClinVar aggregate classification (germline): Uncertain significance (1 of 4 stars; one submission).

Allele frequency attached by ClinVar (database versions not stated): gnomAD exomes below 0.00001.
gnomAD v4.1: 1 of 1,613,382 alleles (0.000062%); highest among the groups gnomAD compares: South Asian, 0.0011%; no homozygotes.

Submission:

Labcorp Genetics (formerly Invitae), Labcorp
Classification: Uncertain significance. Last evaluated: 2022-10-13. Review status: criteria provided, single submitter. Criteria: Invitae Variant Classification Sherloc (09022015). Collection method: clinical testing. Allele origin: germline.
Comment: This sequence change replaces aspartic acid, which is acidic and polar, with glycine, which is neutral and non-polar, at codon 1595 of the CPLANE1 protein (p.Asp1595Gly). This variant is not present in population databases (gnomAD no frequency). This variant has not been reported in the literature in individuals affected with CPLANE1-related conditions. Advanced modeling of protein sequence and biophysical properties (such as structural, functional, and spatial information, amino acid conservation, physicochemical variation, residue mobility, and thermodynamic stability) performed at Invitae indicates that this missense variant is not expected to disrupt CPLANE1 protein function. In summary, the available evidence is currently insufficient to determine the role of this variant in disease. Therefore, it has been classified as a Variant of Uncertain Significance.